The following is an entry in ClinVar:

NM_002160.4(TNC):c.5341G>A (p.Ala1781Thr)

Gene: TNC (tenascin C; minus strand). Cytogenetic location: 9q33.1.
Variant type: single nucleotide variant.
Coding change: c.5341G>A on transcript NM_002160.4 (MANE Select); coding-DNA position 5341, G replaced by A.
Protein change: p.Ala1781Thr; replaces alanine 1781 with threonine.
Molecular consequence: missense variant.
Genome position (GRCh38, 1-based): chr9:115,040,992, C>T on the plus strand (G>A on the coding strand, the complement: TNC is on the minus strand). VCF-style: chr9-115040992-C-T. GRCh37 (hg19) VCF-style: chr9-117803271-C-T.
Other names: p.Ala1781Thr; short protein forms A1781T.
Identifiers: ClinVar variation 586835 (VCV000586835.7), dbSNP rs2274750, ClinGen allele CA5207684.

ClinVar aggregate classification (germline): Benign. Review status: criteria provided, multiple submitters, no conflicts (2 of 4 stars). 5 submissions from 5 submitters: Benign (5). Last evaluated 2022-03-15.

Conditions:
Autosomal dominant nonsyndromic hearing loss 56. Also called: Deafness, autosomal dominant 56. Identifiers: Orphanet 90635, MedGen C3810170, MONDO:0014283, OMIM 615629.

Allele frequency attached by ClinVar (database versions not stated): ExAC 0.05158; gnomAD 0.05620 and 0.05618; 1000 Genomes Project 0.08207; ESP Exome Variant Server 0.05121; TOPMed 0.06015; gnomAD exomes 0.03689 and 0.05544; 1000 Genomes Project 30x 0.08214.
gnomAD v4.1: 62,908 of 1,613,834 alleles (3.9%); highest among the groups gnomAD compares: Admixed American, 13%; 1,894 homozygotes.

Submissions (5):

Genome-Nilou Lab
Classification: Benign for Autosomal dominant nonsyndromic hearing loss 56. Last evaluated: 2022-03-15. Review status: criteria provided, single submitter. Criteria: ACMG Guidelines, 2015. Collection method: clinical testing. Allele origin: germline. Affected: no.

Mayo Clinic Laboratories, Mayo Clinic
Classification: Benign. Last evaluated: 2021-03-08. Review status: criteria provided, single submitter. Criteria: ACMG Guidelines, 2015. Collection method: clinical testing. Allele origin: germline. Observed: 14 variant alleles.

GeneDx
Classification: Benign. Last evaluated: 2018-12-12. Review status: criteria provided, single submitter. Criteria: GeneDx Variant Classification Process June 2021. Collection method: clinical testing. Allele origin: germline. Affected: yes.
Comment: This variant is associated with the following publications: (PMID: 16741161)

Athena Diagnostics
Classification: Benign. Last evaluated: 2018-05-24. Review status: criteria provided, single submitter. Criteria: Athena Diagnostics Criteria. Collection method: clinical testing. Allele origin: germline.

Breakthrough Genomics
Classification: Benign. Review status: criteria provided, single submitter. Criteria: ACMG Guidelines, 2015. Collection method: not provided. Allele origin: germline. Inheritance: Autosomal dominant inheritance. Affected: yes.